The following is an entry in ClinVar:

ClinVar aggregate classification (germline): Uncertain significance. Review status: criteria provided, multiple submitters, no conflicts (2 of 4 stars). 2 submissions from 2 submitters: Uncertain significance (2). Last evaluated 2022-12-02.

Conditions:
Peroxisome biogenesis disorder 2B (PBD2B). Identifiers: Orphanet 44, MedGen C3550234, MONDO:0008736, OMIM 202370.

Allele frequency attached by ClinVar (database versions not stated): gnomAD exomes below 0.00001.
gnomAD v4.1: 1 of 1,613,732 alleles (0.000062%); highest among the groups gnomAD compares: Non-Finnish European, 0.000085%; no homozygotes.

Submissions (2):

Labcorp Genetics (formerly Invitae), Labcorp
Classification: Uncertain significance for Peroxisome biogenesis disorder 2B. Last evaluated: 2022-12-02. Review status: criteria provided, single submitter. Criteria: Invitae Variant Classification Sherloc (09022015). Collection method: clinical testing. Allele origin: germline.
Comment: This variant has not been reported in the literature in individuals affected with PEX5-related conditions. This variant is not present in population databases (gnomAD no frequency). This sequence change replaces glycine, which is neutral and non-polar, with aspartic acid, which is acidic and polar, at codon 252 of the PEX5 protein (p.Gly252Asp). ClinVar contains an entry for this variant (Variation ID: 500720). In summary, the available evidence is currently insufficient to determine the role of this variant in disease. Therefore, it has been classified as a Variant of Uncertain Significance. Algorithms developed to predict the effect of missense changes on protein structure and function output the following: SIFT: "Tolerated"; PolyPhen-2: "Benign"; Align-GVGD: "Class C0". The aspartic acid amino acid residue is found in multiple mammalian species, which suggests that this missense change does not adversely affect protein function.

Eurofins Ntd Llc (ga)
Classification: Uncertain significance. Last evaluated: 2017-03-10. Review status: criteria provided, single submitter. Criteria: EGL Classification Definitions 2015. Collection method: clinical testing. Allele origin: germline. Observed: 1 variant allele, 1 heterozygote.

NM_001351132.2(PEX5):c.755G>A (p.Gly252Asp)

Gene: PEX5 (peroxisomal biogenesis factor 5; plus strand). Cytogenetic location: 12p13.31.
Variant type: single nucleotide variant.
Coding change: c.755G>A on transcript NM_001351132.2 (MANE Select); coding-DNA position 755, G replaced by A.
Protein change: p.Gly252Asp; replaces glycine 252 with aspartic acid.
Molecular consequence: missense variant.
Genome position (GRCh38, 1-based): chr12:7,202,613, G>A. VCF-style: chr12-7202613-G-A. GRCh37 (hg19) VCF-style: chr12-7355209-G-A.
Other names: c.755G>A, p.Gly252Asp (NM_000319.5, NM_001131025.2, NM_001131026.2 and 6 more transcripts); c.800G>A, p.Gly267Asp (NM_001131023.2); c.644G>A, p.Gly215Asp (NM_001131024.2, NM_001351124.3, NM_001351126.2 and 10 more transcripts); c.689G>A, p.Gly230Asp (NM_001351135.3, NM_001351138.2); short protein forms G252D, G215D, G267D, G230D.
Identifiers: ClinVar variation 500720 (VCV000500720.10), dbSNP rs1234343542, ClinGen allele CA383723835.